The following is an entry in ClinVar:

NM_000070.3(CAPN3):c.2217del (p.Gly740fs)

Gene: CAPN3 (calpain 3; plus strand). Cytogenetic location: 15q15.1.
Variant type: Deletion.
Coding change: c.2217del on transcript NM_000070.3 (MANE Select); coding-DNA position 2217, one base deleted (C; older notation c.2217delC).
Protein change: p.Gly740fs; shifts the reading frame from glycine 740.
Molecular consequence: frameshift variant.
Genome position (GRCh38, 1-based): chr15:42,410,620, C deleted; the last of 2 consecutive C bases (chr15:42,410,619-42,410,620); deleting either gives the same sequence. VCF-style (leftmost placement, unchanged base first): chr15-42410618-TC-T. GRCh37 (hg19) VCF-style: chr15-42702816-TC-T.
Other names: c.2199del, p.Gly734fs (NM_024344.2); c.1941del, p.Gly648fs (NM_173087.2); c.681del, p.Gly228fs (NM_173088.2); c.222del, p.Gly75fs (NM_173089.2, NM_173090.2); short protein forms G228fs, G648fs, G734fs, G740fs, G75fs.
Identifiers: ClinVar variation 5013166 (VCV005013166.1).
Genomic context (GRCh38, chr15:42,410,618, plus strand): 5'-GACCTCCATCCTCAAATTTTCTATTGCCAGAAAATTTTCAAACACTATGACACAGACCAG[TC>T]CGGCACCATCAACAGCTACGAGATGCGAAATGCAGTCAACGACGCAGGTGCTGAGAAGGA-3'

ClinVar aggregate classification (germline): Pathogenic (1 of 4 stars; one submission).

Conditions:
Autosomal recessive limb-girdle muscular dystrophy type 2A (LGMDR1). Also called: LEYDEN-MOEBIUS MUSCULAR DYSTROPHY; MUSCULAR DYSTROPHY, PELVOFEMORAL; Limb-girdle muscular dystrophy, type 2A; Calpainopathy; Muscular dystrophy, limb-girdle, type 2A, Amish. Identifiers: Orphanet 267, MedGen C1869123, MONDO:0009675, OMIM 253600. Disease mechanism: loss of function.

Submission:

Myriad Genetics, Inc.
Classification: Pathogenic for Autosomal recessive limb-girdle muscular dystrophy type 2A. Last evaluated: 2024-06-11. Review status: criteria provided, single submitter. Criteria: Myriad Autosomal Dominant, Autosomal Recessive and X-Linked Classification Criteria (2023). Collection method: clinical testing. Allele origin: unknown.
Comment: NM_000070.2(CAPN3):c.2217delC(G740Afs*36) is expected to be pathogenic in the context of calpainopathy. This variant is predicted to lead to an abnormal or absent protein product due to the creation of a premature termination codon in CAPN3, a gene where loss-of-function variants are known to be pathogenic. Please note: this variant was assessed in the context of healthy population screening.